The following is an entry in ClinVar:

ClinVar aggregate classification (germline): Likely benign (1 of 4 stars; one submission).

Allele frequency attached by ClinVar (database versions not stated): 1000 Genomes Project 30x 0.00484; 1000 Genomes Project 0.00499; TOPMed 0.00935; gnomAD 0.01135; ESP Exome Variant Server 0.01139.
gnomAD v4.1: 27,076 of 1,613,730 alleles (1.7%); highest among the groups gnomAD compares: Non-Finnish European, 2%; 316 homozygotes.

Submission:

GeneDx
Classification: Likely benign. Last evaluated: 2020-02-23. Review status: criteria provided, single submitter. Criteria: GeneDx Variant Classification Process June 2021. Collection method: clinical testing. Allele origin: germline. Affected: yes.
Comment: See Variant Classification Assertion Criteria.

NM_001361.5(DHODH):c.1134-32T>G

Genes: DHODH (dihydroorotate dehydrogenase (quinone); plus strand), LOC126862390 (MED14-independent group 3 enhancer GRCh37_chr16:72057307-72058506; plus strand). Cytogenetic location: 16q22.2.
Variant type: single nucleotide variant.
Coding change: c.1134-32T>G on transcript NM_001361.5 (MANE Select); 32 bases into the intron before coding-DNA position 1134, T replaced by G.
Molecular consequence: intron variant.
Genome position (GRCh38, 1-based): chr16:72,024,113, T>G. VCF-style: chr16-72024113-T-G. GRCh37 (hg19) VCF-style: chr16-72058012-T-G.
Identifiers: ClinVar variation 1706771 (VCV001706771.2), dbSNP rs113617640, ClinGen allele CA8158873.
Genomic context (GRCh38, chr16:72,024,113, plus strand): 5'-ATGATGCGTTTCTGGGTGAACGTGGGCTTCCTGTAAGAGCAGGGCCTGTTCTCCACTGTT[T>G]GCTGAAATTGCTTTGTTTGCTCTTTTTCCAGAGAGCAGGGCTTTGGCGGAGTCACAGATG-3'